The following is an entry in ClinVar:

NM_001130144.3(LTBP3):c.3563C>G (p.Thr1188Arg)

Gene: LTBP3 (latent transforming growth factor beta binding protein 3; minus strand). Cytogenetic location: 11q13.1.
Variant type: single nucleotide variant.
Coding change: c.3563C>G on transcript NM_001130144.3 (MANE Select); coding-DNA position 3563, C replaced by G.
Protein change: p.Thr1188Arg; replaces threonine 1188 with arginine.
Molecular consequence: missense variant.
Genome position (GRCh38, 1-based): chr11:65,539,613, G>C on the plus strand (C>G on the coding strand, the complement: LTBP3 is on the minus strand). VCF-style: chr11-65539613-G-C. GRCh37 (hg19) VCF-style: chr11-65307084-G-C.
Other names: c.3071C>G, p.Thr1024Arg (NM_001164266.1); c.3422C>G, p.Thr1141Arg (NM_021070.4); short protein forms T1024R, T1141R, T1188R.
Identifiers: ClinVar variation 3233176 (VCV003233176.1), dbSNP rs1434313133, ClinGen allele CA381266602.

ClinVar aggregate classification (germline): Uncertain significance (1 of 4 stars; one submission).

Conditions:
Inborn genetic diseases. Identifiers: MedGen C0950123, MeSH D030342.

Allele frequency attached by ClinVar (database versions not stated): TOPMed below 0.00001.

Submission:

Ambry Genetics
Classification: Uncertain significance for Inborn genetic diseases. Last evaluated: 2024-01-29. Review status: criteria provided, single submitter. Criteria: Ambry Variant Classification Scheme 2023. Collection method: clinical testing. Allele origin: germline.
Comment: The p.T1188R variant (also known as c.3563C>G), located in coding exon 26 of the LTBP3 gene, results from a C to G substitution at nucleotide position 3563. The threonine at codon 1188 is replaced by arginine, an amino acid with similar properties. This amino acid position is conserved. In addition, this alteration is predicted to be tolerated by in silico analysis. Based on the available evidence, the clinical significance of this alteration remains unclear.